The following is an entry in ClinVar:

NM_000297.4(PKD2):c.2391A>C (p.Pro797=)

Gene: PKD2 (polycystin 2, transient receptor potential cation channel; plus strand). Cytogenetic location: 4q22.1.
Variant type: single nucleotide variant.
Coding change: c.2391A>C on transcript NM_000297.4 (MANE Select); coding-DNA position 2391, A replaced by C.
Protein change: p.Pro797=; no amino-acid change (proline 797 retained).
Molecular consequence: synonymous variant. On other transcripts: non-coding transcript variant (1).
Genome position (GRCh38, 1-based): chr4:88,067,930, A>C. VCF-style: chr4-88067930-A-C. GRCh37 (hg19) VCF-style: chr4-88989082-A-C.
Other names: c.2391A>C (NM_000297.3).
Identifiers: ClinVar variation 997283 (VCV000997283.13), dbSNP rs556777891, ClinGen allele CA3004239.

ClinVar aggregate classification (germline): Likely benign. Review status: criteria provided, multiple submitters, no conflicts (2 of 4 stars). 4 submissions from 4 submitters: Likely benign (2). 2 of the submissions do not count toward it. Last evaluated 2026-01-23.

Conditions:
Polycystic kidney disease 2 (PKD2). Also called: Polycystic Kidney Disease 2, Autosomal Dominant; POLYCYSTIC KIDNEY DISEASE, ADULT, TYPE II; POLYCYSTIC KIDNEY DISEASE 2 WITH OR WITHOUT POLYCYSTIC LIVER DISEASE. Identifiers: MedGen C2751306, MONDO:0013131, OMIM 613095.
PKD2-related disorder. Also called: PKD2-related condition.
Autosomal dominant polycystic kidney disease. Identifiers: Orphanet 730, MedGen C0085413, MONDO:0004691.
Polycystic kidney disease. Also called: Polycystic kidney dysplasia; Kidney, Polycystic. Identifiers: MedGen C0022680, MeSH D007690, MONDO:0020642, HP:0000113.

Allele frequency attached by ClinVar (database versions not stated): ExAC 0.00003; gnomAD exomes 0.00007 and 0.00017; TOPMed 0.00007; gnomAD 0.00009; 1000 Genomes Project 30x 0.00016; 1000 Genomes Project 0.00020.
gnomAD v4.1: 268 of 1,613,976 alleles (0.017%); highest among the groups gnomAD compares: Non-Finnish European, 0.02%; no homozygotes.

Submissions (4):

Labcorp Genetics (formerly Invitae), Labcorp
Classification: Likely benign for Autosomal dominant polycystic kidney disease. Last evaluated: 2026-01-23. Review status: criteria provided, single submitter. Criteria: Invitae Variant Classification Sherloc (09022015). Collection method: clinical testing. Allele origin: germline.

Fulgent Genetics
Classification: Likely benign for Polycystic kidney disease 2. Last evaluated: 2021-11-19. Review status: criteria provided, single submitter. Criteria: ACMG Guidelines, 2015. Collection method: clinical testing. Allele origin: unknown.

PreventionGenetics, part of Exact Sciences
Classification: Likely benign for PKD2-related condition. Last evaluated: 2019-04-09. Review status: no assertion criteria provided. Collection method: clinical testing. Allele origin: germline. Not counted in ClinVar's aggregate classification.
Comment: This variant is classified as likely benign based on ACMG/AMP sequence variant interpretation guidelines (Richards et al. 2015 PMID: 25741868, with internal and published modifications).

Department of Pathology and Laboratory Medicine, Sinai Health System
Classification: Uncertain significance for Polycystic Kidney disease. Review status: no assertion criteria provided. Collection method: clinical testing. Allele origin: unknown. Affected: yes. Study: The Canadian Open Genetics Repository (COGR). Not counted in ClinVar's aggregate classification.
Comment: The PKD2 p.Pro797= variant was not identified in the literature nor was it identified in the ClinVar, COGR, LOVD 3.0, ADPKD Mutation Database, and PKD1-LOVD. The variant was identified in dbSNP (ID: rs556777891) as â€šÃ„ÃºNAâ€šÃ„Ã¹, and in control databases in 16 of 276726 chromosomes at a frequency of 0.00006 (Genome Aggregation Database Feb 27, 2017). It was observed in the following populations: Latino in 1 of 34388 chromosomes (freq: 0.00003 and European Non-Finnish in 15 of 126348 chromosomes (freq: 0.0001); it was not observed in the African, Other, Ashkenazi Jewish, East Asian, European Finnish and South Asian populations. The p.Pro797= variant is not expected to have clinical significance because it does not result in a change of amino acid and is not located in a known consensus splice site. In addition the variant occurs outside of the splicing consensus sequence and 1 of 5 in silico or computational prediction software programs (SpliceSiteFinder, MaxEntScan, NNSPLICE, GeneSplicer, HumanSpliceFinder) predict a greater than 10% difference in splicing; this is not very predictive of pathogenicity. In summary, based on the above information the clinical significance of this variant cannot be determined with certainty at this time. This variant is classified as a variant of uncertain significance.